The following is an entry in ClinVar:

ClinVar aggregate classification (germline): Uncertain significance (1 of 4 stars; one submission).

Conditions:
Macrocephaly, dysmorphic facies, and psychomotor retardation (MDFPMR). Identifiers: Orphanet 457359, MedGen C4310766, MONDO:0014863, OMIM 617011.

gnomAD v4.1: 168 of 1,595,680 alleles (0.011%); highest among the groups gnomAD compares: African/African-American, 0.036%; no homozygotes.

Submission:

Broad Center for Mendelian Genomics, Broad Institute of MIT and Harvard
Classification: Uncertain significance for Macrocephaly, dysmorphic facies, and psychomotor retardation. Last evaluated: 2026-08-12. Review status: criteria provided, single submitter. Criteria: ACMG Guidelines, 2015. Collection method: research. Allele origin: germline. Inheritance: Autosomal recessive inheritance. Study: GREGoR Consortium.
Comment: Trio genome analysis revealed that this variant was in trans with the VUS. The c.9171-22A>G variant in HERC1 has not been previously reported in the literature in individuals with similar symptoms, but has been identified in 0.004% (27/74612) of African/African American chromosomes by the Genome Aggregation Database (gnomAD; dbSNP rs368034821). Although this variant has been seen in the general population in a heterozygous state, its frequency is low enough to be consistent with a recessive carrier frequency. This variant is located in the 3' splice region. Computational tools predict a splicing impact, though this information is not predictive enough to determine pathogenicity. RNAseq analysis performed on unaffected tissues supports exon skipping of exon 46, leading to an abnormal or absent protein. Data from a high-throughput in vitro splicing assay support also this prediction, demonstrating exon 46 skipping, which is predicted to introduce a frameshift leading to an abnormal or absent protein (K. Bujakowska, personal communication). Loss of function of the HERC1 gene is an established disease mechanism in autosomal recessive developmental and epileptic encephalopathy. In summary, the clinical significance of the c.9171-22A>G variant is uncertain. ACMG/AMP Criteria applied: PVS1_moderate, PM2_supporting (Richards 2015).

NM_003922.4(HERC1):c.9171-22A>G

Gene: HERC1 (HECT and RLD domain containing E3 ubiquitin protein ligase family member 1; minus strand). Cytogenetic location: 15q22.31.
Variant type: single nucleotide variant.
Coding change: c.9171-22A>G on transcript NM_003922.4 (MANE Select); 22 bases into the intron before coding-DNA position 9171, A replaced by G.
Molecular consequence: intron variant.
Genome position (GRCh38, 1-based): chr15:63,661,047, T>C on the plus strand (A>G on the coding strand, the complement: HERC1 is on the minus strand). VCF-style: chr15-63661047-T-C. GRCh37 (hg19) VCF-style: chr15-63953246-T-C.
Other names: NM_003922.4:c.9171-22A>G.
Identifiers: ClinVar variation 4974504 (VCV004974504.1).